The following is an entry in ClinVar:

ClinVar aggregate classification (germline): Pathogenic (1 of 4 stars; one submission).

Submission:

Baylor Genetics
Classification: Pathogenic. Last evaluated: 2018-11-01. Review status: criteria provided, single submitter. Criteria: ACMG CNV Guidelines, 2011. Collection method: clinical testing. Allele origin: germline. Observed: 1 variant allele.

GRCh37/hg19 13q33.1-34(chr13:101881803-115091330)

Genes: GRTP1 (growth hormone regulated TBC protein 1; minus strand), UPF3A (UPF3A regulator of nonsense mediated mRNA decay; plus strand), RAB20 (RAB20, member RAS oncogene family; minus strand), RASA3 (RAS p21 protein activator 3; minus strand), NAXD (NAD(P)HX dehydratase; plus strand) and 53 more. Cytogenetic location: 13q33.1-34.
Variant type: copy number gain.
Identifiers: ClinVar variation 625813 (VCV000625813.1).